The following is an entry in ClinVar:

ClinVar aggregate classification (germline): Uncertain significance (1 of 4 stars; one submission).

Conditions:
DSPP-related disorder. Also called: DSPP-related condition.

gnomAD v4.1: 4 of 1,614,268 alleles (0.00025%); highest among the groups gnomAD compares: Admixed American, 0.0067%; no homozygotes.

Submission:

PreventionGenetics, part of Exact Sciences
Classification: Uncertain significance for DSPP-related condition. Last evaluated: 2026-02-02. Review status: criteria provided, single submitter. Criteria: ACMG Guidelines, 2015. Collection method: clinical testing. Allele origin: germline.
Comment: The DSPP c.1451A>G variant is predicted to result in the amino acid substitution p.Asn484Ser. To our knowledge, this variant has not been reported in the literature. This variant is reported in 0.0087% of alleles in individuals of Latino descent in gnomAD. At this time, the clinical significance of this variant is uncertain due to the absence of conclusive functional and genetic evidence.

NM_014208.3(DSPP):c.1451A>G (p.Asn484Ser)

Genes: DMP1-AS1 (DMP1 and DSPP antisense RNA 1; minus strand), DSPP (dentin sialophosphoprotein; plus strand). Cytogenetic location: 4q22.1.
Variant type: single nucleotide variant.
Coding change: c.1451A>G on transcript NM_014208.3 (MANE Select); coding-DNA position 1451, A replaced by G.
Protein change: p.Asn484Ser; replaces asparagine 484 with serine.
Molecular consequence: missense variant.
Genome position (GRCh38, 1-based): chr4:87,614,113, A>G. VCF-style: chr4-87614113-A-G. GRCh37 (hg19) VCF-style: chr4-88535265-A-G.
Other names: short protein forms N484S.
Identifiers: ClinVar variation 4979288 (VCV004979288.1).